The following is an entry in ClinVar:

NM_001035.3(RYR2):c.12611C>T (p.Ala4204Val)

Genes: RYR2 (ryanodine receptor 2; plus strand), LOC126806068 (BRD4-independent group 4 enhancer GRCh37_chr1:237947411-237948610; plus strand). Cytogenetic location: 1q43.
Variant type: single nucleotide variant.
Coding change: c.12611C>T on transcript NM_001035.3 (MANE Select); coding-DNA position 12611, C replaced by T.
Protein change: p.Ala4204Val; replaces alanine 4204 with valine.
Molecular consequence: missense variant.
Genome position (GRCh38, 1-based): chr1:237,784,323, C>T. VCF-style: chr1-237784323-C-T. GRCh37 (hg19) VCF-style: chr1-237947623-C-T.
Other names: p.A4204V:GCT>GTT; c.12611C>T, p.Ala4204Val (LRG_402t1); short protein forms A4204V.
Identifiers: ClinVar variation 201340 (VCV000201340.2), dbSNP rs794728793, ClinGen allele CA007658.

ClinVar aggregate classification (germline): Uncertain significance (1 of 4 stars; one submission).

Submission:

GeneDx
Classification: Uncertain significance. Last evaluated: 2014-04-18. Review status: criteria provided, single submitter. Criteria: GeneDx Variant Classification (06012015). Collection method: clinical testing. Allele origin: germline. Affected: yes.
Comment: p.Ala4204Val (GCT>GTT): c.12611 C>T in exon 90 of the RYR2 gene (NM_001035.2). The A4204V variant has not been published as a mutation, nor has it been reported as a benign polymorphism to our knowledge. The A4204V variant was not observed in approximately 6,100 individuals of European and African American ancestry in the NHLBI Exome Sequencing Project, indicating it is not a common benign variant in these populations. The A4204V variant is a conservative amino acid substitution, which is not likely to impact secondary protein structure as these residues share similar properties. This substitution occurs at a position that is conserved across species. In silico analysis predicts this variant is probably damaging to the protein structure/function. A missense mutation in a nearby residue (Q4201R) has been reported in association with CPVT, supporting the functional importance of this region of the protein. Therefore, based on the currently available information, it is unclear whether this variant is a pathogenic mutation or a rare benign variant. The variant is found in ARRHYTHMIA panel(s).